The following is an entry in ClinVar:

NM_000327.3(ROM1):c.-329G>T

Gene: ROM1 (retinal outer segment membrane protein 1; plus strand). Cytogenetic location: 11q12.3.
Variant type: single nucleotide variant.
Coding change: c.-329G>T on transcript NM_000327.3; 329 bases upstream of the start codon, G replaced by T.
Genome position (GRCh38, 1-based): chr11:62,612,953, G>T. VCF-style: chr11-62612953-G-T. GRCh37 (hg19) VCF-style: chr11-62380425-G-T.
Identifiers: ClinVar variation 305156 (VCV000305156.8), dbSNP rs3923805, ClinGen allele CA10635161.

ClinVar aggregate classification (germline): Benign. Review status: criteria provided, multiple submitters, no conflicts (2 of 4 stars). 2 submissions from 2 submitters: Benign (2). Last evaluated 2018-01-12.

Conditions:
Retinitis pigmentosa (RP). Identifiers: Orphanet 791, MedGen C0035334, MeSH D012174, MONDO:0019200, OMIM 268000. Inheritance: Autosomal dominant, autosomal recessive and X linked inheritance.

Allele frequency attached by ClinVar (database versions not stated): TOPMed 0.20461; gnomAD exomes 0.23292; 1000 Genomes Project 0.14257; 1000 Genomes Project 30x 0.14553; gnomAD 0.20875 and 0.21125.

Submissions (2):

Illumina Laboratory Services, Illumina
Classification: Benign for Retinitis pigmentosa. Last evaluated: 2018-01-12. Review status: criteria provided, single submitter. Criteria: ICSL Variant Classification Criteria 13 December 2019. Collection method: clinical testing. Allele origin: germline.
Comment: This variant was observed in the ICSL laboratory as part of a predisposition screen in an ostensibly healthy population. It had not been previously curated by ICSL or reported in the Human Gene Mutation Database (HGMD: prior to June 1st, 2018), and was therefore a candidate for classification through an automated scoring system. Utilizing variant allele frequency, disease prevalence and penetrance estimates, and inheritance mode, an automated score was calculated to assess if this variant is too frequent to cause the disease. Based on the score and internal cut-off values, a variant classified as benign is not then subjected to further curation. The score for this variant resulted in a classification of benign for this disease.

Breakthrough Genomics
Classification: Benign. Review status: criteria provided, single submitter. Criteria: ACMG Guidelines, 2015. Collection method: not provided. Allele origin: germline. Inheritance: Autosomal recessive inheritance. Affected: yes.